The following is an entry in ClinVar:

ClinVar aggregate classification (germline): Likely benign. Review status: criteria provided, multiple submitters, no conflicts (2 of 4 stars). 2 submissions from 2 submitters: Likely benign (2). Last evaluated 2025-10-21.

Allele frequency attached by ClinVar (database versions not stated): ExAC 0.00001; gnomAD exomes 0.00002; gnomAD 0.00003 and 0.00004; TOPMed 0.00003.
gnomAD v4.1: 116 of 1,611,656 alleles (0.0072%); highest among the groups gnomAD compares: Middle Eastern, 0.033%; no homozygotes.

Submissions (2):

Labcorp Genetics (formerly Invitae), Labcorp
Classification: Likely benign. Last evaluated: 2025-10-21. Review status: criteria provided, single submitter. Criteria: Invitae Variant Classification Sherloc (09022015). Collection method: clinical testing. Allele origin: germline.

CeGaT Center for Human Genetics Tuebingen
Classification: Likely benign. Last evaluated: 2024-12-01. Review status: criteria provided, single submitter. Criteria: CeGaT Center For Human Genetics Tuebingen Variant Classification Criteria Version 2. Collection method: clinical testing. Allele origin: germline. Affected: yes. Observed: 1 variant allele.
Comment: ZNF341: BP4, BP7

NM_001282933.2(ZNF341):c.2376G>A (p.Pro792=)

Genes: ZNF341-AS1 (ZNF341 antisense RNA 1; minus strand), ZNF341 (zinc finger protein 341; plus strand). Cytogenetic location: 20q11.22.
Variant type: single nucleotide variant.
Coding change: c.2376G>A on transcript NM_001282933.2 (MANE Select); coding-DNA position 2376, G replaced by A.
Protein change: p.Pro792=; no amino-acid change (proline 792 retained).
Molecular consequence: synonymous variant. On other transcripts: non-coding transcript variant (1).
Genome position (GRCh38, 1-based): chr20:33,791,328, G>A. VCF-style: chr20-33791328-G-A. GRCh37 (hg19) VCF-style: chr20-32379134-G-A.
Other names: c.2106G>A, p.Pro702= (NM_001282935.2); c.2355G>A, p.Pro785= (NM_032819.5).
Identifiers: ClinVar variation 1608480 (VCV001608480.21), dbSNP rs779381545, ClinGen allele CA9819783.